The following is an entry in ClinVar:

NM_000218.3(KCNQ1):c.1733-2A>G

Gene: KCNQ1 (potassium voltage-gated channel subfamily Q member 1; plus strand). Cytogenetic location: 11p15.5.
Variant type: single nucleotide variant.
Coding change: c.1733-2A>G on transcript NM_000218.3 (MANE Select); the canonical splice acceptor site of the intron before coding-DNA position 1733, A replaced by G.
Molecular consequence: splice acceptor variant.
Genome position (GRCh38, 1-based): chr11:2,777,974, A>G. VCF-style: chr11-2777974-A-G. GRCh37 (hg19) VCF-style: chr11-2799204-A-G.
Other names: c.1463-2A>G (NM_001406837.1); c.1637-2A>G (NM_001406836.1); c.1193-2A>G (NM_001406838.1); c.1352-2A>G (NM_181798.2); c.245-2A>G (NM_001406839.1).
Identifiers: ClinVar variation 1415094 (VCV001415094.9), dbSNP rs2133992122, ClinGen allele CA379139559.

ClinVar aggregate classification (germline): Pathogenic (1 of 4 stars; one submission).

Conditions:
Long QT syndrome (LQTS). Identifiers: MedGen C0023976, MeSH D008133, MONDO:0002442. Disease mechanism: loss of function. Inheritance: Various modes of inheritance.

Allele frequency attached by ClinVar (database versions not stated): gnomAD exomes below 0.00001.
gnomAD v4.1: 1 of 1,613,774 alleles (0.000062%); highest among the groups gnomAD compares: Non-Finnish European, 0.000085%; no homozygotes.

Submission:

Labcorp Genetics (formerly Invitae), Labcorp
Classification: Pathogenic for Long QT syndrome. Last evaluated: 2022-10-07. Review status: criteria provided, single submitter. Criteria: Invitae Variant Classification Sherloc (09022015). Collection method: clinical testing. Allele origin: germline.
Comment: This variant is not present in population databases (gnomAD no frequency). For these reasons, this variant has been classified as Pathogenic. Algorithms developed to predict the effect of sequence changes on RNA splicing suggest that this variant may disrupt the consensus splice site. ClinVar contains an entry for this variant (Variation ID: 1415094). Disruption of this splice site has been observed in individual(s) with KCNQ1-related conditions (PMID: 27041150). It has also been observed to segregate with disease in related individuals. This sequence change affects an acceptor splice site in intron 14 of the KCNQ1 gene. It is expected to disrupt RNA splicing. Variants that disrupt the donor or acceptor splice site typically lead to a loss of protein function (PMID: 16199547), and loss-of-function variants in KCNQ1 are known to be pathogenic (PMID: 9323054, 19862833).

Literature cited by the submitters: PubMed 27041150; PubMed 16199547; PubMed 9323054; PubMed 19862833.